The following is an entry in ClinVar:

NM_015338.6(ASXL1):c.3655C>T (p.Pro1219Ser)

Gene: ASXL1 (ASXL transcriptional regulator 1; plus strand). Cytogenetic location: 20q11.21.
Variant type: single nucleotide variant.
Coding change: c.3655C>T on transcript NM_015338.6 (MANE Select); coding-DNA position 3655, C replaced by T.
Protein change: p.Pro1219Ser; replaces proline 1219 with serine.
Molecular consequence: missense variant.
Genome position (GRCh38, 1-based): chr20:32,436,367, C>T. VCF-style: chr20-32436367-C-T. GRCh37 (hg19) VCF-style: chr20-31024170-C-T.
Other names: c.3472C>T, p.Pro1158Ser (NM_001363734.1); short protein forms P1219S, P1158S.
Identifiers: ClinVar variation 1516433 (VCV001516433.6), dbSNP rs774688930, ClinGen allele CA9808870.

ClinVar aggregate classification (germline): Uncertain significance (1 of 4 stars; one submission).

Allele frequency attached by ClinVar (database versions not stated): gnomAD exomes below 0.00001; ExAC 0.00001.
gnomAD v4.1: 5 of 1,613,654 alleles (0.00031%); highest among the groups gnomAD compares: South Asian, 0.0055%; no homozygotes.

Submission:

Labcorp Genetics (formerly Invitae), Labcorp
Classification: Uncertain significance. Last evaluated: 2021-11-12. Review status: criteria provided, single submitter. Criteria: Invitae Variant Classification Sherloc (09022015). Collection method: clinical testing. Allele origin: germline.
Comment: This variant is present in population databases (rs774688930, gnomAD 0.003%). In summary, the available evidence is currently insufficient to determine the role of this variant in disease. Therefore, it has been classified as a Variant of Uncertain Significance. Algorithms developed to predict the effect of missense changes on protein structure and function output the following: SIFT: "Tolerated"; PolyPhen-2: "Benign"; Align-GVGD: "Class C0". The serine amino acid residue is found in multiple mammalian species, which suggests that this missense change does not adversely affect protein function. This variant has not been reported in the literature in individuals affected with ASXL1-related conditions. This sequence change replaces proline, which is neutral and non-polar, with serine, which is neutral and polar, at codon 1219 of the ASXL1 protein (p.Pro1219Ser).